The following is an entry in ClinVar:

NC_000007.14:g.(?_5997316)_(5999285_?)del

Gene: PMS2 (PMS1 homolog 2, mismatch repair system component; minus strand). Cytogenetic location: 7p22.1.
Variant type: Deletion.
Identifiers: ClinVar variation 583771 (VCV000583771.10).

ClinVar aggregate classification (germline): Pathogenic (1 of 4 stars; one submission).

Conditions:
Hereditary nonpolyposis colorectal neoplasms. Identifiers: MedGen C0009405, MeSH D003123.

Submission:

Labcorp Genetics (formerly Invitae), Labcorp
Classification: Pathogenic for Hereditary nonpolyposis colorectal neoplasms. Last evaluated: 2023-10-03. Review status: criteria provided, single submitter. Criteria: Invitae Variant Classification Sherloc (09022015). Collection method: clinical testing. Allele origin: germline.
Comment: This variant is a gross deletion of the genomic region encompassing exon(s) 6-7 of the PMS2 gene. This deletion is out-of-frame, and is expected to create a premature termination codon and result in an absent or disrupted protein product. Loss-of-function variants in PMS2 are known to be pathogenic (PMID: 21376568, 24362816). A similar copy number variant has been observed in individual(s) with colorectal cancer (PMID: 20205264). For these reasons, this variant has been classified as Pathogenic.

Literature cited by the submitters: PubMed 21376568; PubMed 24362816; PubMed 20205264.